The following is an entry in ClinVar:

NM_014251.3(SLC25A13):c.1603_1609dup (p.Leu537fs)

Gene: SLC25A13 (solute carrier family 25 member 13; minus strand). Cytogenetic location: 7q21.3.
Variant type: Duplication.
Coding change: c.1603_1609dup on transcript NM_014251.3 (MANE Select); coding-DNA positions 1603 to 1609, 7 bases duplicated (GCATCTT; older notation c.1603_1609dupGCATCTT).
Protein change: p.Leu537fs; shifts the reading frame from leucine 537.
Molecular consequence: frameshift variant. On other transcripts: non-coding transcript variant (1).
Genome position (GRCh38, 1-based): chr7:96,121,980-96,121,986, AAGATGC duplicated on the plus strand (GCATCTT on the coding strand, the reverse complement: SLC25A13 is on the minus strand). VCF-style (leftmost placement, unchanged base first): chr7-96121979-A-AAAGATGC. GRCh37 (hg19) VCF-style: chr7-95751291-A-AAAGATGC.
Other names: c.1606_1612dup, p.Leu538fs (NM_001160210.2); short protein forms L538fs, L537fs.
Identifiers: ClinVar variation 1359671 (VCV001359671.6), dbSNP rs1791532136, ClinGen allele CA1727518560.
Genomic context (GRCh38, chr7:96,121,979, plus strand): 5'-GTTTGGCCAGCCCGGGCAGCCACCTGTAATCTCGTCTTGATAACATCAGCAGGGGTCACT[A>AAAGATGC]AAGATGCTGCAGGCATACCTGCAGGAGAGACACAACACCATCTCAGTCTGGTCACATTCT-3'

ClinVar aggregate classification (germline): Pathogenic (1 of 4 stars; one submission).

Conditions:
Citrin deficiency. Identifiers: Orphanet 247582, MedGen C1997910, MONDO:0016602.

Submission:

Labcorp Genetics (formerly Invitae), Labcorp
Classification: Pathogenic for Citrin deficiency. Last evaluated: 2023-08-19. Review status: criteria provided, single submitter. Criteria: Invitae Variant Classification Sherloc (09022015). Collection method: clinical testing. Allele origin: germline.
Comment: For these reasons, this variant has been classified as Pathogenic. ClinVar contains an entry for this variant (Variation ID: 1359671). This variant has not been reported in the literature in individuals affected with SLC25A13-related conditions. This variant is not present in population databases (gnomAD no frequency). This sequence change creates a premature translational stop signal (p.Leu537Cysfs*8) in the SLC25A13 gene. It is expected to result in an absent or disrupted protein product. Loss-of-function variants in SLC25A13 are known to be pathogenic (PMID: 10369257, 14680984, 27405544).

Literature cited by the submitters: PubMed 10369257; PubMed 14680984; PubMed 27405544.